The following is an entry in ClinVar:

NM_000720.4(CACNA1D):c.1501G>A (p.Ala501Thr)

Gene: CACNA1D (calcium voltage-gated channel subunit alpha1 D; plus strand). Cytogenetic location: 3p21.1.
Variant type: single nucleotide variant.
Coding change: c.1501G>A on transcript NM_000720.4 (MANE Plus Clinical); coding-DNA position 1501, G replaced by A.
Protein change: p.Ala501Thr; replaces alanine 501 with threonine.
Molecular consequence: missense variant. On other transcripts: intron variant (2).
Genome position (GRCh38, 1-based): chr3:53,718,704, G>A. VCF-style: chr3-53718704-G-A. GRCh37 (hg19) VCF-style: chr3-53752731-G-A.
Other names: c.1501G>A (NM_000720.2); c.1478+316G>A (NM_001128840.3, NM_001128839.3); short protein forms A501T.
Identifiers: ClinVar variation 1392063 (VCV001392063.12), dbSNP rs779236953, ClinGen allele CA2453973.
Genomic context (GRCh38, chr3:53,718,704, plus strand): 5'-ATGTGGTGGTTAACCTGGCCACCTGCTGTGTCCATTAGGTGCTGGTGGAGACGGAGAGGC[G>A]CGGCCAAGGCGGGGCCCTCTGGGTGTCGGCGGTGGGGGTAAAGGCCTGATTCTCCTTCCA-3'
Protein context (NP_000711.1, residues 491-511): SLWCWWRRRG[Ala501Thr]AKAGPSGCRR

ClinVar aggregate classification (germline): Conflicting classifications of pathogenicity. Review status: criteria provided, conflicting classifications (1 of 4 stars). 4 submissions from 4 submitters: Uncertain significance (3); Likely benign (1). Last evaluated 2025-11-08.

Conditions:
Inborn genetic diseases. Identifiers: MedGen C0950123, MeSH D030342.

Allele frequency attached by ClinVar (database versions not stated): gnomAD exomes 0.00002 and 0.00004; gnomAD 0.00003 and 0.00005; ExAC 0.00005; TOPMed 0.00005.
gnomAD v4.1: 37 of 1,558,958 alleles (0.0024%); highest among the groups gnomAD compares: Middle Eastern, 0.034%; no homozygotes.

Submissions (4):

GeneDx
Classification: Uncertain significance. Last evaluated: 2025-11-08. Review status: criteria provided, single submitter. Criteria: GeneDx Variant Classification Process June 2021. Collection method: clinical testing. Allele origin: germline.
Comment: In silico analysis suggests that this missense variant does not alter protein structure/function; Has not been previously published as pathogenic or benign to our knowledge

Labcorp Genetics (formerly Invitae), Labcorp
Classification: Uncertain significance. Last evaluated: 2025-05-04. Review status: criteria provided, single submitter. Criteria: Invitae Variant Classification Sherloc (09022015). Collection method: clinical testing. Allele origin: germline.
Comment: This sequence change replaces alanine, which is neutral and non-polar, with threonine, which is neutral and polar, at codon 501 of the CACNA1D protein (p.Ala501Thr). This variant is present in population databases (rs779236953, gnomAD 0.02%). This variant has not been reported in the literature in individuals affected with CACNA1D-related conditions. ClinVar contains an entry for this variant (Variation ID: 1392063). An algorithm developed to predict the effect of missense changes on protein structure and function outputs the following: PolyPhen-2: "Benign". The threonine amino acid residue is found in multiple mammalian species, which suggests that this missense change does not adversely affect protein function. In summary, the available evidence is currently insufficient to determine the role of this variant in disease. Therefore, it has been classified as a Variant of Uncertain Significance.

Blueprint Genetics
Classification: Likely benign. Last evaluated: 2024-07-02. Review status: criteria provided, single submitter. Criteria: ACMG Guidelines, 2015. Collection method: clinical testing. Allele origin: germline.

Ambry Genetics
Classification: Uncertain significance for Inborn genetic diseases. Last evaluated: 2021-06-18. Review status: criteria provided, single submitter. Criteria: Ambry Variant Classification Scheme 2023. Collection method: clinical testing. Allele origin: germline.